The following is an entry in ClinVar:

ClinVar aggregate classification (germline): Uncertain significance (1 of 4 stars; one submission).

Conditions:
Hereditary cancer-predisposing syndrome. Also called: Neoplastic Syndromes, Hereditary; Tumor predisposition; Hereditary neoplastic syndrome; Hereditary Cancer Syndrome. Identifiers: Orphanet 140162, MedGen C0027672, MeSH D009386, MONDO:0015356.

Submission:

Ambry Genetics
Classification: Uncertain significance for Hereditary cancer-predisposing syndrome. Last evaluated: 2026-07-02. Review status: criteria provided, single submitter. Criteria: Ambry Variant Classification Scheme 2023. Collection method: clinical testing. Allele origin: germline.
Comment: The p.Y1569F variant (also known as c.4706A>T), located in coding exon 10 of the BRCA2 gene, results from an A to T substitution at nucleotide position 4706. The tyrosine at codon 1569 is replaced by phenylalanine, an amino acid with highly similar properties. This amino acid position is conserved. In addition, this alteration is predicted to be tolerated by in silico analysis. Based on the available evidence, the clinical significance of this variant remains unclear.

NM_000059.4(BRCA2):c.4706A>T (p.Tyr1569Phe)

Gene: BRCA2 (BRCA2 DNA repair associated; plus strand). Cytogenetic location: 13q13.1.
Variant type: single nucleotide variant.
Coding change: c.4706A>T on transcript NM_000059.4 (MANE Select); coding-DNA position 4706, A replaced by T.
Protein change: p.Tyr1569Phe; replaces tyrosine 1569 with phenylalanine.
Molecular consequence: missense variant. On other transcripts: non-coding transcript variant (1), intron variant (2).
Genome position (GRCh38, 1-based): chr13:32,339,061, A>T. VCF-style: chr13-32339061-A-T. GRCh37 (hg19) VCF-style: chr13-32913198-A-T.
Other names: c.4706A>T, p.Tyr1569Phe (NM_001406719.1, NM_001406720.1, NM_001432077.1); c.1910-5497A>T (NM_001406721.1); c.425-5497A>T (NM_001406722.1); short protein forms Y1569F.
Identifiers: ClinVar variation 5033262 (VCV005033262.1).